The following is an entry in ClinVar:

ClinVar aggregate classification (germline): Likely benign. Review status: criteria provided, multiple submitters, no conflicts (2 of 4 stars). 2 submissions from 2 submitters: Likely benign (2). Last evaluated 2026-03-01.

Conditions:
Early-infantile DEE. Also called: Early infantile epileptic encephalopathy; Ohtahara syndrome; Early infantile epileptic encephalopathy with suppression bursts. Identifiers: Orphanet 1934, MedGen C0393706, MONDO:0800491.

Allele frequency attached by ClinVar (database versions not stated): gnomAD exomes below 0.00001; ExAC 0.00001.
gnomAD v4.1: 1 of 1,609,094 alleles (0.000062%); highest among the groups gnomAD compares: Admixed American, 0.0017%; no homozygotes.

Submissions (2):

CeGaT Center for Human Genetics Tuebingen
Classification: Likely benign. Last evaluated: 2026-03-01. Review status: criteria provided, single submitter. Criteria: CeGaT Center For Human Genetics Tuebingen Variant Classification Criteria Version 2. Collection method: clinical testing. Allele origin: germline. Affected: yes. Observed: 1 variant allele.
Comment: SCN8A: BP4, BP7

Labcorp Genetics (formerly Invitae), Labcorp
Classification: Likely benign for Early-infantile DEE. Last evaluated: 2021-01-31. Review status: criteria provided, single submitter. Criteria: Invitae Variant Classification Sherloc (09022015). Collection method: clinical testing. Allele origin: germline.

NM_001330260.2(SCN8A):c.1014G>A (p.Gln338=)

Gene: SCN8A (sodium voltage-gated channel alpha subunit 8; plus strand). Cytogenetic location: 12q13.13.
Variant type: single nucleotide variant.
Coding change: c.1014G>A on transcript NM_001330260.2 (MANE Select); coding-DNA position 1014, G replaced by A.
Protein change: p.Gln338=; no amino-acid change (glutamine 338 retained).
Molecular consequence: synonymous variant.
Genome position (GRCh38, 1-based): chr12:51,702,794, G>A. VCF-style: chr12-51702794-G-A. GRCh37 (hg19) VCF-style: chr12-52096578-G-A.
Other names: c.1014G>A, p.Gln338= (NM_001177984.3, NM_001369788.1, NM_014191.4).
Identifiers: ClinVar variation 1582539 (VCV001582539.13), dbSNP rs746131591, ClinGen allele CA6571198.